The following is an entry in ClinVar:

ClinVar aggregate classification (germline): Benign/Likely benign. Review status: criteria provided, multiple submitters, no conflicts (2 of 4 stars). 2 submissions from 2 submitters: Benign (1); Likely benign (1). Last evaluated 2026-09-18.

Conditions:
Colorectal cancer, hereditary nonpolyposis, type 7. Identifiers: Orphanet 144, MedGen C1858380, MONDO:0013725, OMIM 614385.

Submissions (2):

Myriad Genetics, Inc.
Classification: Benign for Colorectal cancer, hereditary nonpolyposis, type 7. Last evaluated: 2026-09-18. Review status: criteria provided, single submitter. Criteria: Myriad Autosomal Dominant, Autosomal Recessive and X-Linked Classification Criteria (2023). Collection method: clinical testing. Allele origin: unknown.
Comment: This variant is considered benign. This variant is a silent/synonymous amino acid change and it is not expected to impact splicing.

Ambry Genetics
Classification: Likely benign. Last evaluated: 2021-01-01. Review status: criteria provided, single submitter. Criteria: Ambry Variant Classification Scheme 2023. Collection method: clinical testing. Allele origin: germline.

NM_001040108.2(MLH3):c.1200C>T (p.Ser400=)

Gene: MLH3 (mutL homolog 3; minus strand). Cytogenetic location: 14q24.3.
Variant type: single nucleotide variant.
Coding change: c.1200C>T on transcript NM_001040108.2 (MANE Select); coding-DNA position 1200, C replaced by T.
Protein change: p.Ser400=; no amino-acid change (serine 400 retained).
Molecular consequence: synonymous variant.
Genome position (GRCh38, 1-based): chr14:75,048,456, G>A on the plus strand (C>T on the coding strand, the complement: MLH3 is on the minus strand). VCF-style: chr14-75048456-G-A. GRCh37 (hg19) VCF-style: chr14-75515159-G-A.
Other names: c.1200C>T, p.Ser400= (NM_014381.3).
Identifiers: ClinVar variation 1747367 (VCV001747367.3), dbSNP rs2503301365, ClinGen allele CA487273865.
Genomic context (GRCh38, chr14:75,048,456, plus strand): 5'-TACGTTTTCTGCAGTAGTTTTTCTTTTCACAGCTTTTGACTGCAAATTAAACATCTCATA[G>A]GAATCTAAAATATTATTACATGCTTCCTGGAAATTGCTCCTCTCATCGGAAGTCACACGC-3'
Protein context (NP_001035197.1, residues 390-410): FQEACNNILD[Ser400=]YEMFNLQSKA